The following is an entry in ClinVar:

ClinVar aggregate classification (germline): Likely benign. Review status: criteria provided, multiple submitters, no conflicts (2 of 4 stars). 3 submissions from 3 submitters: Likely benign (3). Last evaluated 2025-06-15.

Conditions:
Seizures, benign familial infantile, 3 (BFIS3). Also called: Familial neonatal seizures; CONVULSIONS, BENIGN FAMILIAL INFANTILE, 3. Identifiers: Orphanet 140927, Orphanet 306, MedGen C1843140, MONDO:0011904, OMIM 607745.
Developmental and epileptic encephalopathy, 11 (DEE11). Also called: Early infantile epileptic encephalopathy 11. Identifiers: Orphanet 1934, MedGen C3150987, MONDO:0013388, OMIM 613721.

Allele frequency attached by ClinVar (database versions not stated): gnomAD 0.00002; gnomAD exomes 0.00002 and 0.00003; ExAC 0.00003; TOPMed 0.00004; 1000 Genomes Project 30x 0.00016; 1000 Genomes Project 0.00020.
gnomAD v4.1: 49 of 1,613,626 alleles (0.003%); highest among the groups gnomAD compares: Middle Eastern, 0.016%; no homozygotes.

Submissions (3):

Labcorp Genetics (formerly Invitae), Labcorp
Classification: Likely benign for Seizures, benign familial infantile, 3; Developmental and epileptic encephalopathy, 11. Last evaluated: 2025-06-15. Review status: criteria provided, single submitter. Criteria: Invitae Variant Classification Sherloc (09022015). Collection method: clinical testing. Allele origin: germline.

Blueprint Genetics
Classification: Likely benign. Last evaluated: 2024-11-19. Review status: criteria provided, single submitter. Criteria: ACMG Guidelines, 2015. Collection method: clinical testing. Allele origin: germline.

CeGaT Center for Human Genetics Tuebingen
Classification: Likely benign. Last evaluated: 2022-07-01. Review status: criteria provided, single submitter. Criteria: CeGaT Center For Human Genetics Tuebingen Variant Classification Criteria Version 2. Collection method: clinical testing. Allele origin: germline. Affected: yes. Observed: 1 variant allele.
Comment: SCN2A: BP4, BP7

NM_001040142.2(SCN2A):c.1353A>G (p.Glu451=)

Gene: SCN2A (sodium voltage-gated channel alpha subunit 2; plus strand). Cytogenetic location: 2q24.3.
Variant type: single nucleotide variant.
Coding change: c.1353A>G on transcript NM_001040142.2 (MANE Select); coding-DNA position 1353, A replaced by G.
Protein change: p.Glu451=; no amino-acid change (glutamic acid 451 retained).
Molecular consequence: synonymous variant.
Genome position (GRCh38, 1-based): chr2:165,314,078, A>G. VCF-style: chr2-165314078-A-G. GRCh37 (hg19) VCF-style: chr2-166170588-A-G.
Other names: c.1353A>G, p.Glu451= (NM_001040143.2, NM_001371246.1, NM_001371247.1 and 1 more transcripts).
Identifiers: ClinVar variation 1146765 (VCV001146765.34), dbSNP rs559725593, ClinGen allele CA1939791.